The following is an entry in ClinVar:

NM_022124.6(CDH23):c.9198+13C>T

Gene: CDH23 (cadherin related 23; plus strand). Cytogenetic location: 10q22.1.
Variant type: single nucleotide variant.
Coding change: c.9198+13C>T on transcript NM_022124.6 (MANE Select); 13 bases into the intron after coding-DNA position 9198, C replaced by T.
Molecular consequence: intron variant.
Genome position (GRCh38, 1-based): chr10:71,811,448, C>T. VCF-style: chr10-71811448-C-T. GRCh37 (hg19) VCF-style: chr10-73571205-C-T.
Other names: c.2478+13C>T (NM_001171933.1, NM_001171934.1).
Identifiers: ClinVar variation 300472 (VCV000300472.16), dbSNP rs375384238, ClinGen allele CA5546916.
Genomic context (GRCh38, chr10:71,811,448, plus strand): 5'-CAGCCTGCCATCTCTGTCCGGCTGCCGGATGACATGTCTGCCCTGCAGGTACCCGGCGAC[C>T]GTGCCCCACAGCCCTAGCCGCCCTCCCCACTGCCCGGGCTTACCCTGGTCCTGCTCCCGC-3'

ClinVar aggregate classification (germline): Likely benign. Review status: criteria provided, multiple submitters, no conflicts (2 of 4 stars). 3 submissions from 3 submitters: Likely benign (3). Last evaluated 2026-01-26.

Allele frequency attached by ClinVar (database versions not stated): ESP Exome Variant Server 0.00008; TOPMed 0.00012; gnomAD 0.00061.
gnomAD v4.1: 300 of 1,613,874 alleles (0.019%); highest among the groups gnomAD compares: Non-Finnish European, 0.024%; no homozygotes.

Submissions (3):

Labcorp Genetics (formerly Invitae), Labcorp
Classification: Likely benign. Last evaluated: 2026-01-26. Review status: criteria provided, single submitter. Criteria: Invitae Variant Classification Sherloc (09022015). Collection method: clinical testing. Allele origin: germline.

Blueprint Genetics
Classification: Likely benign. Last evaluated: 2024-03-20. Review status: criteria provided, single submitter. Criteria: ACMG Guidelines, 2015. Collection method: clinical testing. Allele origin: germline.

Laboratory for Molecular Medicine, Mass General Brigham Personalized Medicine
Classification: Likely benign. Last evaluated: 2017-07-13. Review status: criteria provided, single submitter. Criteria: LMM Criteria. Collection method: clinical testing. Allele origin: germline. Observed: 1 variant allele.
Comment: c.9198+13C>T in intron 63 of CDH23: This variant is not expected to have clinica l significance because it is not located within the conserved splice consensus s equence. It has been identified in 41/126446 European chromosomes by the Genome Aggregation Database (gnomAD; dbSNP rs37538423 8).